The following is an entry in ClinVar:

NM_001814.6(CTSC):c.566_572del (p.Thr189fs)

Gene: CTSC (cathepsin C; minus strand). Cytogenetic location: 11q14.2.
Variant type: Deletion.
Coding change: c.566_572del on transcript NM_001814.6 (MANE Select); coding-DNA positions 566 to 572, 7 bases deleted (CATACAT; older notation c.566_572delCATACAT).
Protein change: p.Thr189fs; shifts the reading frame from threonine 189.
Molecular consequence: frameshift variant.
Genome position (GRCh38, 1-based): chr11:88,309,232-88,309,238, ATGTATG deleted on the plus strand (CATACAT on the coding strand, the reverse complement: CTSC is on the minus strand). VCF-style (leftmost placement, unchanged base first): chr11-88309231-CATGTATG-C. GRCh37 (hg19) VCF-style: chr11-88042399-CATGTATG-C.
Other names: short protein forms T189fs.
Identifiers: ClinVar variation 2167619 (VCV002167619.5), dbSNP rs778236403, ClinGen allele CA6219918.

ClinVar aggregate classification (germline): Pathogenic. Review status: criteria provided, multiple submitters, no conflicts (2 of 4 stars). 2 submissions from 2 submitters: Pathogenic (2). Last evaluated 2024-07-03.

Conditions:
CTSC-related disorder. Also called: CTSC-related disorders; CTSC-related condition. Identifiers: MedGen CN375926, MONDO:0800465.
Periodontitis, aggressive. Identifiers: MedGen C0031106, MONDO:0980757.
Haim-Munk syndrome (HMS). Also called: COCHIN JEWISH DISORDER; KERATOSIS PALMOPLANTARIS WITH PERIODONTOPATHIA AND ONYCHOGRYPOSIS. Identifiers: Orphanet 2342, MedGen C1855627, MONDO:0009491, OMIM 245010.
Papillon-Lefèvre syndrome (PALS). Also called: Papillon-Lefevre Disease; KERATOSIS PALMOPLANTARIS WITH PERIODONTOPATHIA. Identifiers: Orphanet 678, MedGen C0030360, MONDO:0009490, OMIM 245000.

Allele frequency attached by ClinVar (database versions not stated): gnomAD 0.00001; TOPMed 0.00001; gnomAD exomes 0.00002; ExAC 0.00003.

Submissions (2):

Blueprint Genetics
Classification: Pathogenic for CTSC-related disorders. Last evaluated: 2024-07-03. Review status: criteria provided, single submitter. Criteria: ACMG Guidelines, 2015. Collection method: clinical testing. Allele origin: germline. Affected: yes. Observed: 5 variant alleles.

Labcorp Genetics (formerly Invitae), Labcorp
Classification: Pathogenic for Haim-Munk syndrome; Periodontitis, aggressive; Papillon-Lefèvre syndrome. Last evaluated: 2024-02-23. Review status: criteria provided, single submitter. Criteria: Invitae Variant Classification Sherloc (09022015). Collection method: clinical testing. Allele origin: germline.
Comment: This sequence change creates a premature translational stop signal (p.Thr189Argfs*11) in the CTSC gene. It is expected to result in an absent or disrupted protein product. Loss-of-function variants in CTSC are known to be pathogenic (PMID: 10662808, 11106356, 11886537). This variant is present in population databases (rs778236403, gnomAD 0.005%). This premature translational stop signal has been observed in individual(s) with clinical features of CTSC-related conditions (PMID: 14974080, 23397598). This variant is also known as c.681delCATACAT, p.T188fsX199. ClinVar contains an entry for this variant (Variation ID: 2167619). For these reasons, this variant has been classified as Pathogenic.

Literature cited by the submitters: PubMed 10662808 (cited by Labcorp Genetics (formerly Invitae), Labcorp); PubMed 11106356 (cited by Labcorp Genetics (formerly Invitae), Labcorp); PubMed 11886537 (cited by Labcorp Genetics (formerly Invitae), Labcorp); PubMed 14974080 (cited by Labcorp Genetics (formerly Invitae), Labcorp); PubMed 23397598 (cited by Labcorp Genetics (formerly Invitae), Labcorp).